The following is an entry in ClinVar:

ClinVar aggregate classification (germline): Pathogenic. Review status: criteria provided, multiple submitters, no conflicts (2 of 4 stars). 3 submissions from 3 submitters: Pathogenic (2). 1 of the submissions does not count toward it. Last evaluated 2024-06-27.

Conditions:
Polycystic kidney disease, adult type (PKD1). Also called: Polycystic Kidney Disease 1, Autosomal Dominant; Polycystic kidney disease 1; Polycystic kidney disease 1, severe; POLYCYSTIC KIDNEY DISEASE 1 WITH OR WITHOUT POLYCYSTIC LIVER DISEASE; POLYCYSTIC KIDNEY DISEASE, ADULT, TYPE I; Polycystic Kidney, Autosomal Dominant. Identifiers: MedGen C3149841, MONDO:0008263, OMIM 173900.
Polycystic kidney disease. Also called: Kidney, Polycystic; Polycystic kidney dysplasia. Identifiers: MedGen C0022680, MeSH D007690, MONDO:0020642, HP:0000113.
PKD1-related disorder. Also called: PKD1-related condition.

Submissions (3):

Blueprint Genetics
Classification: Pathogenic for PKD1-related disorders. Last evaluated: 2024-06-27. Review status: criteria provided, single submitter. Criteria: ACMG Guidelines, 2015. Collection method: clinical testing. Allele origin: germline. Affected: yes. Observed: 1 variant allele.

Fulgent Genetics
Classification: Pathogenic for Polycystic kidney disease, adult type. Last evaluated: 2021-12-30. Review status: criteria provided, single submitter. Criteria: ACMG Guidelines, 2015. Collection method: clinical testing. Allele origin: unknown.

Department of Pathology and Laboratory Medicine, Sinai Health System
Classification: Pathogenic for Polycystic Kidney disease. Review status: no assertion criteria provided. Collection method: clinical testing. Allele origin: unknown. Affected: yes. Observed: 1 variant allele. Study: The Canadian Open Genetics Repository (COGR). Not counted in ClinVar's aggregate classification.
Comment: The PKD1 c.1849+1G>T variant was not identified in the literature nor was it identified in the dbSNP, ClinVar, GeneInsight-COGR, LOVD 3.0, ADPKD Mutation or PKD1-LOVD, databases. In addition, the variant was not identified in the 1000 Genomes Project, the NHLBI GO Exome Sequencing Project or the Exome Aggregation Consortium (August 8th 2016) control databases. The PKD1 c.1849+1G>T variant is predicted to cause abnormal splicing because the nucleotide substitution occurs in the invariant region of the splice consensus sequence. This is the type of variant expected to cause the disorder. In addition, 5 of 5 in silico or computational prediction software programs (SpliceSiteFinder, MaxEntScan, NNSPLICE, GeneSplicer, HumanSpliceFinder) predict a greater than 10% difference in splicing. In summary, based on the above information, this variant is classified as pathogenic.

NM_001009944.3(PKD1):c.1849+1G>T

Gene: PKD1 (polycystin 1, transient receptor potential channel interacting; minus strand). Cytogenetic location: 16p13.3.
Variant type: single nucleotide variant.
Coding change: c.1849+1G>T on transcript NM_001009944.3 (MANE Select); the canonical splice donor site of the intron after coding-DNA position 1849, G replaced by T.
Molecular consequence: splice donor variant.
Genome position (GRCh38, 1-based): chr16:2,115,991, C>A on the plus strand (G>T on the coding strand, the complement: PKD1 is on the minus strand). VCF-style: chr16-2115991-C-A. GRCh37 (hg19) VCF-style: chr16-2165992-C-A.
Other names: c.1849+1G>T (NM_000296.4).
Identifiers: ClinVar variation 997137 (VCV000997137.3), dbSNP rs2092628618, ClinGen allele CA394390947.